The following is an entry in ClinVar:

NM_001111.5(ADAR):c.3466G>A (p.Val1156Ile)

Gene: ADAR (adenosine deaminase RNA specific; minus strand). Cytogenetic location: 1q21.3.
Variant type: single nucleotide variant.
Coding change: c.3466G>A on transcript NM_001111.5 (MANE Select); coding-DNA position 3466, G replaced by A.
Protein change: p.Val1156Ile; replaces valine 1156 with isoleucine.
Molecular consequence: missense variant.
Genome position (GRCh38, 1-based): chr1:154,585,021, C>T on the plus strand (G>A on the coding strand, the complement: ADAR is on the minus strand). VCF-style: chr1-154585021-C-T. GRCh37 (hg19) VCF-style: chr1-154557497-C-T.
Other names: c.2581G>A, p.Val861Ile (NM_001025107.3, NM_001193495.2, NM_001365046.1 and 2 more transcripts); c.3493G>A, p.Val1165Ile (NM_001365045.1); c.2503G>A, p.Val835Ile (NM_001365049.1); c.3388G>A, p.Val1130Ile (NM_015840.4); c.3331G>A, p.Val1111Ile (NM_015841.4); short protein forms V1130I, V1111I, V1165I, V835I, V861I, V1156I.
Identifiers: ClinVar variation 2936441 (VCV002936441.3), dbSNP rs1696654465, ClinGen allele CA342634901.
Genomic context (GRCh38, chr1:154,585,021, plus strand): 5'-CCCTGCGGTAACGGAAGGAGCAGAGCTTCTTAAATAGAAGAAAAATGTTCTTTTTGGAGA[C>T]CCGGGACAATTCATTCCGTGGCCTAGAGAAACAAAAGCACTCATTATTCACCTGGGACCT-3'
Protein context (NP_001102.3, residues 1146-1166): VDGPRNELSR[Val1156Ile]SKKNIFLLFK

ClinVar aggregate classification (germline): Uncertain significance (1 of 4 stars; one submission).

Conditions:
Symmetrical dyschromatosis of extremities (DSH). Also called: RETICULATE ACROPIGMENTATION OF DOHI; SYMMETRIC DYSCHROMATOSIS OF THE EXTREMITIES; Dyschromatosis symmetrica hereditaria; DYSCHROMATOSIS SYMMETRICA HEREDITARIA 1. Identifiers: Orphanet 41, MedGen C0406775, MONDO:0007483, OMIM 127400.
Aicardi-Goutieres syndrome 6 (AGS6). Identifiers: Orphanet 51, MedGen C3539013, MONDO:0014007, OMIM 615010.

gnomAD v4.1: 7 of 1,613,956 alleles (0.00043%); highest among the groups gnomAD compares: Non-Finnish European, 0.00059%; no homozygotes.

Submission:

Labcorp Genetics (formerly Invitae), Labcorp
Classification: Uncertain significance for Aicardi-Goutieres syndrome 6; Symmetrical dyschromatosis of extremities. Last evaluated: 2024-01-25. Review status: criteria provided, single submitter. Criteria: Invitae Variant Classification Sherloc (09022015). Collection method: clinical testing. Allele origin: germline.
Comment: This sequence change replaces valine, which is neutral and non-polar, with isoleucine, which is neutral and non-polar, at codon 1156 of the ADAR protein (p.Val1156Ile). This variant is not present in population databases (gnomAD no frequency). This variant has not been reported in the literature in individuals affected with ADAR-related conditions. Advanced modeling of protein sequence and biophysical properties (such as structural, functional, and spatial information, amino acid conservation, physicochemical variation, residue mobility, and thermodynamic stability) performed at Invitae indicates that this missense variant is not expected to disrupt ADAR protein function with a negative predictive value of 80%. In summary, the available evidence is currently insufficient to determine the role of this variant in disease. Therefore, it has been classified as a Variant of Uncertain Significance.